The following is an entry in ClinVar:

NM_000321.3(RB1):c.1768T>G (p.Cys590Gly)

Gene: RB1 (RB transcriptional corepressor 1; plus strand). Cytogenetic location: 13q14.2.
Variant type: single nucleotide variant.
Coding change: c.1768T>G on transcript NM_000321.3 (MANE Select); coding-DNA position 1768, T replaced by G.
Protein change: p.Cys590Gly; replaces cysteine 590 with glycine.
Molecular consequence: missense variant.
Genome position (GRCh38, 1-based): chr13:48,453,065, T>G. VCF-style: chr13-48453065-T-G. GRCh37 (hg19) VCF-style: chr13-49027201-T-G.
Other names: short protein forms C590G.
Identifiers: ClinVar variation 410944 (VCV000410944.14), dbSNP rs1060503089, ClinGen allele CA16614059.

ClinVar aggregate classification (germline): Uncertain significance. Review status: criteria provided, multiple submitters, no conflicts (2 of 4 stars). 5 submissions from 5 submitters: Uncertain significance (5). Last evaluated 2025-09-05.

Conditions:
Malignant tumor of urinary bladder. Also called: Bladder cancer; Urinary bladder cancer; Urinary Bladder Neoplasms. Identifiers: MedGen C0005684, MONDO:0001187, OMIM 109800.
Hereditary cancer-predisposing syndrome. Also called: Tumor predisposition; Hereditary Cancer Syndrome; Hereditary neoplastic syndrome; Neoplastic Syndromes, Hereditary. Identifiers: Orphanet 140162, MedGen C0027672, MeSH D009386, MONDO:0015356.
Retinoblastoma (RB1). Also called: RETINOBLASTOMA, SOMATIC. Identifiers: Orphanet 790, MedGen C0035335, MeSH D012175, MONDO:0008380, OMIM 180200, HP:0009919. Disease mechanism: loss of function. Inheritance: Both sporadic and heritable forms are tested..

Allele frequency attached by ClinVar (database versions not stated): TOPMed below 0.00001.

Submissions (5):

Color Diagnostics, LLC DBA Color Health
Classification: Uncertain significance for Retinoblastoma. Last evaluated: 2025-09-05. Review status: criteria provided, single submitter. Criteria: ACMG Guidelines, 2015. Collection method: clinical testing. Allele origin: germline.
Comment: This missense variant replaces cysteine with glycine at codon 590 of the RB1 protein. Computational prediction suggests that this variant may not impact protein structure and function. To our knowledge, functional studies have not been reported for this variant. This variant has not been reported in individuals affected with RB1-related disorders in the literature. This variant has not been identified in the general population by the Genome Aggregation Database (gnomAD). The available evidence is insufficient to determine the role of this variant in disease conclusively. Therefore, this variant is classified as a Variant of Uncertain Significance.

Ambry Genetics
Classification: Uncertain significance for Hereditary cancer-predisposing syndrome. Last evaluated: 2024-10-15. Review status: criteria provided, single submitter. Criteria: Ambry Variant Classification Scheme 2023. Collection method: clinical testing. Allele origin: germline.
Comment: The p.C590G variant (also known as c.1768T>G), located in coding exon 18 of the RB1 gene, results from a T to G substitution at nucleotide position 1768. The cysteine at codon 590 is replaced by glycine, an amino acid with highly dissimilar properties. This amino acid position is conserved. In addition, the in silico prediction for this alteration is inconclusive. Since supporting evidence is limited at this time, the clinical significance of this alteration remains unclear.

Baylor Genetics
Classification: Uncertain significance for Malignant tumor of urinary bladder. Last evaluated: 2023-12-05. Review status: criteria provided, single submitter. Criteria: ACMG Guidelines, 2015. Collection method: clinical testing. Allele origin: unknown.

All of Us Research Program, National Institutes of Health
Classification: Uncertain significance for Retinoblastoma. Last evaluated: 2023-05-04. Review status: criteria provided, single submitter. Criteria: ACMG Guidelines, 2015. Collection method: clinical testing. Allele origin: germline. Inheritance: Autosomal dominant inheritance. Observed: 1 variant allele, 1 heterozygote.
Comment: This missense variant replaces cysteine with glycine at codon 590 of the RB1 protein. Computational prediction suggests that this variant may not impact protein structure and function (internally defined REVEL score threshold <= 0.5, PMID: 27666373). To our knowledge, functional studies have not been reported for this variant. This variant has not been reported in individuals affected with RB1-related disorders in the literature. This variant has not been identified in the general population by the Genome Aggregation Database (gnomAD). The available evidence is insufficient to determine the role of this variant in disease conclusively. Therefore, this variant is classified as a Variant of Uncertain Significance.

This study involves interpretation of variants in research participants for the purpose of population health screening. Participant phenotype was not available at the time of variant classification. Additional details can be found in publication PMID: 35346344, PMCID: PMC8962531

Labcorp Genetics (formerly Invitae), Labcorp
Classification: Uncertain significance for Retinoblastoma. Last evaluated: 2022-11-22. Review status: criteria provided, single submitter. Criteria: Invitae Variant Classification Sherloc (09022015). Collection method: clinical testing. Allele origin: germline.
Comment: In summary, the available evidence is currently insufficient to determine the role of this variant in disease. Therefore, it has been classified as a Variant of Uncertain Significance. Advanced modeling of protein sequence and biophysical properties (such as structural, functional, and spatial information, amino acid conservation, physicochemical variation, residue mobility, and thermodynamic stability) performed at Invitae indicates that this missense variant is not expected to disrupt RB1 protein function. ClinVar contains an entry for this variant (Variation ID: 410944). This variant has not been reported in the literature in individuals affected with RB1-related conditions. This variant is not present in population databases (gnomAD no frequency). This sequence change replaces cysteine, which is neutral and slightly polar, with glycine, which is neutral and non-polar, at codon 590 of the RB1 protein (p.Cys590Gly).